The following is an entry in ClinVar:

NM_004336.5(BUB1):c.1733A>T (p.Asp578Val)

Gene: BUB1 (BUB1 mitotic checkpoint serine/threonine kinase; minus strand). Cytogenetic location: 2q13.
Variant type: single nucleotide variant.
Coding change: c.1733A>T on transcript NM_004336.5 (MANE Select); coding-DNA position 1733, A replaced by T.
Protein change: p.Asp578Val; replaces aspartic acid 578 with valine.
Molecular consequence: missense variant.
Genome position (GRCh38, 1-based): chr2:110,655,882, T>A on the plus strand (A>T on the coding strand, the complement: BUB1 is on the minus strand). VCF-style: chr2-110655882-T-A. GRCh37 (hg19) VCF-style: chr2-111413459-T-A.
Other names: c.1673A>T, p.Asp558Val (NM_001278616.2); c.1733A>T, p.Asp578Val (NM_001278617.2); short protein forms D558V, D578V.
Identifiers: ClinVar variation 2465085 (VCV002465085.2), dbSNP rs1689920073, ClinGen allele CA348211012.
Genomic context (GRCh38, chr2:110,655,882, plus strand): 5'-CCTGGGCTCTTAGGACTGGGTGCCAGGGTTTTGTTGCAGCGAATACCCCATACAGTTGAG[T>A]CATCCAAAAACTCTTCAGCATGAGGCACTTCCTCCTATAACAGAAGATGAAATGAAAAAA-3'
Protein context (NP_004327.1, residues 568-588): EVPHAEEFLD[Asp578Val]STVWGIRCNK

ClinVar aggregate classification (germline): Uncertain significance (1 of 4 stars; one submission).

Allele frequency attached by ClinVar (database versions not stated): TOPMed below 0.00001.

Submission:

Ambry Genetics
Classification: Uncertain significance. Last evaluated: 2022-11-19. Review status: criteria provided, single submitter. Criteria: Ambry Variant Classification Scheme 2023. Collection method: clinical testing. Allele origin: germline.
Comment: The p.D578V variant (also known as c.1733A>T), located in coding exon 16 of the BUB1 gene, results from an A to T substitution at nucleotide position 1733. The aspartic acid at codon 578 is replaced by valine, an amino acid with highly dissimilar properties. This amino acid position is conserved. In addition, the in silico prediction for this alteration is inconclusive. Since supporting evidence is limited at this time, the clinical significance of this alteration remains unclear.